The following is an entry in ClinVar:

ClinVar aggregate classification (germline): Uncertain significance (1 of 4 stars; one submission).

Submission:

Women's Health and Genetics/Laboratory Corporation of America, LabCorp
Classification: Uncertain significance. Last evaluated: 2016-03-21. Review status: criteria provided, single submitter. Criteria: LabCorp Variant Classification Summary - May 2015. Collection method: clinical testing. Allele origin: germline.
Comment: Variant summary: The variant c.498-27_498-26delTG affects non-conserved nucleotides, resulting in intronic change. 5/5 programs via Alamut predict that this variant does not affect normal splicing. This variant was not found in 5008 control chromosomes from broad and large populations of 1000G. The variant of interest has not, to our knowledge, been reported in affected individuals via publications and/or reputable databases/clinical laboratories; nor evaluated for functional impact by in vivo/vitro studies. Because of the absence of clinical information and the lack of functional studies, the variant was classified as a variant of uncertain significance (VUS) until additional information becomes available.

NM_001250.6(CD40):c.498-35TG[4]

Gene: CD40 (CD40 molecule; plus strand). Cytogenetic location: 20q13.12.
Variant type: Microsatellite.
Coding change: c.498-35TG[4] on transcript NM_001250.6 (MANE Select); four copies in a row of the 2-base unit TG starting at c.498-35; the reference has five copies in a row; one copy, 2 bases deleted.
Molecular consequence: intron variant.
Genome position (GRCh38, 1-based): chr20:46,126,613-46,126,614, TG deleted; deleting any 2 consecutive bases within chr20:46,126,605-46,126,614 gives the same sequence; the position shown is the placement nearest the transcript's 3' end. VCF-style (leftmost placement, unchanged base first): chr20-46126604-CTG-C. GRCh37 (hg19) VCF-style: chr20-44755243-CTG-C.
Other names: c.498-35TG[4] (NM_001302753.2, NM_001322421.2, NM_001362758.2); c.498-1533TG[4] (NM_152854.4); c.404-1533TG[4] (NM_001322422.2); c.498-27_498-26delTG (NM_001250.4).
Identifiers: ClinVar variation 496128 (VCV000496128.1), dbSNP rs1056841361, ClinGen allele CA315653012.
Genomic context (GRCh38, chr20:46,126,604, plus strand): 5'-CTGACTCACTCTAGAGTTGGAAATCTTATGCTTGGGGAAACTTAATATCTCTTTCTTTCT[CTG>C]TGTGTGTGCATTTGTGCACGTGTCTGTGCATAGCTGTGAGACCAAAGACCTGGTTGTGCA-3'